The following is an entry in ClinVar:

ClinVar aggregate classification (germline): Uncertain significance (1 of 4 stars; one submission).

Submission:

Athena Diagnostics
Classification: Uncertain significance. Last evaluated: 2024-01-24. Review status: criteria provided, single submitter. Criteria: Athena Diagnostics Criteria. Collection method: clinical testing. Allele origin: unknown.
Comment: Available data are insufficient to determine the clinical significance of the variant at this time. This variant has not been reported in large, multi-ethnic general populations. Computational tools predict that this variant is damaging.

NM_000426.4(LAMA2):c.3933G>C (p.Trp1311Cys)

Gene: LAMA2 (laminin subunit alpha 2; plus strand). Cytogenetic location: 6q22.33.
Variant type: single nucleotide variant.
Coding change: c.3933G>C on transcript NM_000426.4 (MANE Select); coding-DNA position 3933, G replaced by C.
Protein change: p.Trp1311Cys; replaces tryptophan 1311 with cysteine.
Molecular consequence: missense variant.
Genome position (GRCh38, 1-based): chr6:129,316,046, G>C. VCF-style: chr6-129316046-G-C. GRCh37 (hg19) VCF-style: chr6-129637191-G-C.
Other names: c.3933G>C, p.Trp1311Cys (NM_001079823.2); short protein forms W1311C.
Identifiers: ClinVar variation 3571644 (VCV003571644.1).
Genomic context (GRCh38, chr6:129,316,046, plus strand): 5'-TCAATGGTTTTGCATTCAGTTTTGTCATAGTGATTTCTCTTCTTGTTAACAGAAAGAATG[G>C]AAATATTATGGGGATGATCCTCGAGTCCATAGAACTGTGACCCGAGAAGACTTCTTGGAT-3'
Protein context (NP_000417.3, residues 1301-1321): RHEIEMTEKE[Trp1311Cys]KYYGDDPRVH